The following is an entry in ClinVar:

ClinVar aggregate classification (germline): Uncertain significance. Review status: criteria provided, multiple submitters, no conflicts (2 of 4 stars). 7 submissions from 7 submitters: Uncertain significance (7). Last evaluated 2026-04-20.

Conditions:
Ciliopathy. Also called: Ciliopathies. Identifiers: Orphanet 363250, MedGen C4277690, MONDO:0005308, MeSH D000072661.
Meckel-Gruber syndrome. Also called: DYSENCEPHALIA SPLANCHNOCYSTICA; GRUBER SYNDROME; Dysencephalia splachnocystica. Identifiers: Orphanet 564, MedGen C0265215, MONDO:0018921.
Joubert syndrome. Also called: Familial aplasia of the vermis; JOUBERT-BOLTSHAUSER SYNDROME. Identifiers: Orphanet 475, MedGen C5979921, MONDO:0018772.
Inborn genetic diseases. Identifiers: MedGen C0950123, MeSH D030342.
Meckel syndrome, type 1 (MKS1). Also called: MECKEL-GRUBER SYNDROME, TYPE 1. Identifiers: Orphanet 564, MedGen C3714506, MONDO:0009571, OMIM 249000.
Joubert syndrome 28 (JBTS28). Identifiers: MedGen C4310705, MONDO:0014928, OMIM 617121.
Bardet-Biedl syndrome 13 (BBS13). Identifiers: Orphanet 110, MedGen C2673873, MONDO:0014441, OMIM 615990.

Allele frequency attached by ClinVar (database versions not stated): gnomAD exomes below 0.00001 and 0.00002; TOPMed below 0.00001; gnomAD 0.00001; ExAC 0.00002.
gnomAD v4.1: 8 of 1,614,066 alleles (0.0005%); highest among the groups gnomAD compares: Middle Eastern, 0.049%; no homozygotes.

Submissions (7):

Myriad Genetics, Inc.
Classification: Uncertain significance for Ciliopathy. Last evaluated: 2026-04-20. Review status: criteria provided, single submitter. Criteria: Myriad Autosomal Dominant, Autosomal Recessive and X-Linked Classification Criteria (2023). Collection method: clinical testing. Allele origin: unknown.
Comment: NM_017777.3(MKS1):c.1325T>G(V442G) is a missense variant classified as a variant of uncertain significance in the context of MKS1-related disorders. V442G has not been observed in cases with relevant disease. Relevant functional assessments of this variant are not available in the literature. V442G has been observed in referenced population frequency databases. In summary, there is insufficient evidence to classify NM_017777.3(MKS1):c.1325T>G(V442G) as pathogenic or benign. Please note: this variant was assessed in the context of healthy population screening.

Ambry Genetics
Classification: Uncertain significance for Inborn genetic diseases. Last evaluated: 2025-11-24. Review status: criteria provided, single submitter. Criteria: Ambry Variant Classification Scheme 2023. Collection method: clinical testing. Allele origin: germline.

Genomic Medicine Center of Excellence, King Faisal Specialist Hospital and Research Centre
Classification: Uncertain significance for Meckel syndrome, type 1. Last evaluated: 2024-04-04. Review status: criteria provided, single submitter. Criteria: ACMG Guidelines, 2015. Collection method: clinical testing. Allele origin: germline.

Labcorp Genetics (formerly Invitae), Labcorp
Classification: Uncertain significance for Joubert syndrome; Meckel-Gruber syndrome. Last evaluated: 2022-02-10. Review status: criteria provided, single submitter. Criteria: Invitae Variant Classification Sherloc (09022015). Collection method: clinical testing. Allele origin: germline.
Comment: This sequence change replaces valine, which is neutral and non-polar, with glycine, which is neutral and non-polar, at codon 442 of the MKS1 protein (p.Val442Gly). This variant is present in population databases (rs754930606, gnomAD 0.004%). This variant has not been reported in the literature in individuals affected with MKS1-related conditions. ClinVar contains an entry for this variant (Variation ID: 595533). Advanced modeling of protein sequence and biophysical properties (such as structural, functional, and spatial information, amino acid conservation, physicochemical variation, residue mobility, and thermodynamic stability) performed at Invitae indicates that this missense variant is not expected to disrupt MKS1 protein function. In summary, the available evidence is currently insufficient to determine the role of this variant in disease. Therefore, it has been classified as a Variant of Uncertain Significance.

Fulgent Genetics
Classification: Uncertain significance for Meckel syndrome, type 1; Bardet-Biedl syndrome 13; Joubert syndrome 28. Last evaluated: 2021-07-16. Review status: criteria provided, single submitter. Criteria: ACMG Guidelines, 2015. Collection method: clinical testing. Allele origin: unknown.

GeneDx
Classification: Uncertain significance. Last evaluated: 2020-01-13. Review status: criteria provided, single submitter. Criteria: GeneDx Variant Classification Process June 2021. Collection method: clinical testing. Allele origin: germline. Affected: yes.
Comment: In silico analysis, which includes protein predictors and evolutionary conservation, supports a deleterious effect; Has not been previously published as pathogenic or benign to our knowledge

Eurofins Ntd Llc (ga)
Classification: Uncertain significance. Last evaluated: 2018-01-02. Review status: criteria provided, single submitter. Criteria: EGL Classification Definitions 2015. Collection method: clinical testing. Allele origin: germline. Observed: 1 variant allele, 1 heterozygote.

NM_017777.4(MKS1):c.1325T>G (p.Val442Gly)

Gene: MKS1 (MKS transition zone complex subunit 1; minus strand). Cytogenetic location: 17q22.
Variant type: single nucleotide variant.
Coding change: c.1325T>G on transcript NM_017777.4 (MANE Select); coding-DNA position 1325, T replaced by G.
Protein change: p.Val442Gly; replaces valine 442 with glycine.
Molecular consequence: missense variant. On other transcripts: intron variant (1).
Genome position (GRCh38, 1-based): chr17:58,207,167, A>C on the plus strand (T>G on the coding strand, the complement: MKS1 is on the minus strand). VCF-style: chr17-58207167-A-C. GRCh37 (hg19) VCF-style: chr17-56284528-A-C.
Other names: c.716T>G, p.Val239Gly (NM_001321268.2); c.1325T>G, p.Val442Gly (NM_001321269.2); c.1273+727T>G (NM_001330397.2); short protein forms V442G, V239G.
Identifiers: ClinVar variation 595533 (VCV000595533.16), dbSNP rs754930606, ClinGen allele CA8669164.